The following is an entry in ClinVar:

NM_001370259.2(MEN1):c.707T>C (p.Val236Ala)

Gene: MEN1 (menin 1; minus strand). Cytogenetic location: 11q13.1.
Variant type: single nucleotide variant.
Coding change: c.707T>C on transcript NM_001370259.2 (MANE Select); coding-DNA position 707, T replaced by C.
Protein change: p.Val236Ala; replaces valine 236 with alanine.
Molecular consequence: missense variant. On other transcripts: non-coding transcript variant (4).
Genome position (GRCh38, 1-based): chr11:64,807,628, A>G on the plus strand (T>C on the coding strand, the complement: MEN1 is on the minus strand). VCF-style: chr11-64807628-A-G. GRCh37 (hg19) VCF-style: chr11-64575100-A-G.
Other names: c.722T>C, p.Val241Ala (NM_130803.3, NM_130804.3, NM_000244.4 and 5 more transcripts); c.707T>C, p.Val236Ala (NM_001370251.2, NM_001370260.2, NM_001370261.2 and 7 more transcripts); c.602T>C, p.Val201Ala (NM_001370262.2, NM_001370263.2, NM_001407148.1 and 2 more transcripts); short protein forms V201A, V236A, V241A.
Identifiers: ClinVar variation 3073617 (VCV003073617.3), dbSNP rs2497205908, ClinGen allele CA381184566.

ClinVar aggregate classification (germline): Uncertain significance. Review status: criteria provided, multiple submitters, no conflicts (2 of 4 stars). 3 submissions from 3 submitters: Uncertain significance (3). Last evaluated 2026-07-04.

Conditions:
Multiple endocrine neoplasia, type 1 (MEN1). Also called: MEN I; WERMER SYNDROME; Endocrine adenomatosis multiple; MEN 1; MEA I. Identifiers: Orphanet 652, MedGen C0025267, MeSH D018761, MONDO:0007540, OMIM 131100.
Hereditary cancer-predisposing syndrome. Also called: Tumor predisposition; Hereditary Cancer Syndrome; Neoplastic Syndromes, Hereditary; Hereditary neoplastic syndrome. Identifiers: Orphanet 140162, MedGen C0027672, MeSH D009386, MONDO:0015356.

Allele frequency attached by ClinVar (database versions not stated): gnomAD exomes below 0.00001.

Submissions (3):

Ambry Genetics
Classification: Uncertain significance for Hereditary cancer-predisposing syndrome. Last evaluated: 2026-07-04. Review status: criteria provided, single submitter. Criteria: Ambry Variant Classification Scheme 2023. Collection method: clinical testing. Allele origin: germline.
Comment: The p.V236A variant (also known as c.707T>C), located in coding exon 3 of the MEN1 gene, results from a T to C substitution at nucleotide position 707. The valine at codon 236 is replaced by alanine, an amino acid with similar properties. This amino acid position is conserved. In addition, this alteration is predicted to be deleterious by in silico analysis. Based on the available evidence, the clinical significance of this variant remains unclear.

Labcorp Genetics (formerly Invitae), Labcorp
Classification: Uncertain significance for Multiple endocrine neoplasia, type 1. Last evaluated: 2025-05-25. Review status: criteria provided, single submitter. Criteria: Invitae Variant Classification Sherloc (09022015). Collection method: clinical testing. Allele origin: germline.
Comment: This sequence change replaces valine, which is neutral and non-polar, with alanine, which is neutral and non-polar, at codon 236 of the MEN1 protein (p.Val236Ala). This variant is not present in population databases (gnomAD no frequency). This variant has not been reported in the literature in individuals affected with MEN1-related conditions. ClinVar contains an entry for this variant (Variation ID: 3073617). Invitae Evidence Modeling of protein sequence and biophysical properties (such as structural, functional, and spatial information, amino acid conservation, physicochemical variation, residue mobility, and thermodynamic stability) indicates that this missense variant is expected to disrupt MEN1 protein function with a positive predictive value of 95%. In summary, the available evidence is currently insufficient to determine the role of this variant in disease. Therefore, it has been classified as a Variant of Uncertain Significance.

All of Us Research Program, National Institutes of Health
Classification: Uncertain significance for Multiple endocrine neoplasia, type 1. Last evaluated: 2023-10-02. Review status: criteria provided, single submitter. Criteria: ACMG Guidelines, 2015. Collection method: clinical testing. Allele origin: germline. Inheritance: Autosomal dominant inheritance. Observed: 1 variant allele, 1 heterozygote.
Comment: This missense variant replaces valine with alanine at codon 236 of the MEN1 protein. Computational prediction suggests that this variant may have deleterious impact on protein structure and function (internally defined REVEL score threshold >= 0.7, PMID: 27666373). To our knowledge, functional studies have not been reported for this variant. This variant has not been reported in individuals affected with MEN1-related disorders in the literature. This variant has not been identified in the general population by the Genome Aggregation Database (gnomAD). The available evidence is insufficient to determine the role of this variant in disease conclusively. Therefore, this variant is classified as a Variant of Uncertain Significance.

This study involves interpretation of variants in research participants for the purpose of population health screening. Participant phenotype was not available at the time of variant classification. Additional details can be found in publication PMID: 35346344, PMCID: PMC8962531